The following is an entry in ClinVar:

NM_003482.4(KMT2D):c.12707C>T (p.Ala4236Val)

Gene: KMT2D (lysine methyltransferase 2D; minus strand). Cytogenetic location: 12q13.12.
Variant type: single nucleotide variant.
Coding change: c.12707C>T on transcript NM_003482.4 (MANE Select); coding-DNA position 12707, C replaced by T.
Protein change: p.Ala4236Val; replaces alanine 4236 with valine.
Molecular consequence: missense variant.
Genome position (GRCh38, 1-based): chr12:49,031,998, G>A on the plus strand (C>T on the coding strand, the complement: KMT2D is on the minus strand). VCF-style: chr12-49031998-G-A. GRCh37 (hg19) VCF-style: chr12-49425781-G-A.
Other names: short protein forms A4236V.
Identifiers: ClinVar variation 4804204 (VCV004804204.1).
Genomic context (GRCh38, chr12:49,031,998, plus strand): 5'-AGGCCCTGGAGGGGAGAGGTCTGGGTCCCAGGCTCCTGGTAGGGTGGGGTCTGGCGTACT[G>A]CCTGACTCTGCTGCAGCTGCCGCTGCATGAGGAGTGCCTGTAGCTGCTGCTGCTGCTGAG-3'
Protein context (NP_003473.3, residues 4226-4246): LMQRQLQQSQ[Ala4236Val]VRQTPPYQEP

ClinVar aggregate classification (germline): Uncertain significance (1 of 4 stars; one submission).

Conditions:
Kabuki syndrome. Also called: NIIKAWA-KUROKI SYNDROME; Kabuki make-up syndrome. Identifiers: Orphanet 2322, MedGen C0796004, MONDO:0016512.

gnomAD v4.1: 1 of 1,600,814 alleles (0.000062%); highest among the groups gnomAD compares: Non-Finnish European, 0.000085%; no homozygotes.

Submission:

Labcorp Genetics (formerly Invitae), Labcorp
Classification: Uncertain significance for Kabuki syndrome. Last evaluated: 2026-01-08. Review status: criteria provided, single submitter. Criteria: Invitae Variant Classification Sherloc (09022015). Collection method: clinical testing. Allele origin: germline.
Comment: This sequence change replaces alanine, which is neutral and non-polar, with valine, which is neutral and non-polar, at codon 4236 of the KMT2D protein (p.Ala4236Val). This variant is not present in population databases (gnomAD no frequency). This variant has not been reported in the literature in individuals affected with KMT2D-related conditions. Invitae Evidence Modeling of protein sequence and biophysical properties (such as structural, functional, and spatial information, amino acid conservation, physicochemical variation, residue mobility, and thermodynamic stability) indicates that this missense variant is not expected to disrupt KMT2D protein function with a negative predictive value of 95%. Algorithms developed to predict the effect of sequence changes on RNA splicing suggest that this variant may create or strengthen a splice site. In summary, the available evidence is currently insufficient to determine the role of this variant in disease. Therefore, it has been classified as a Variant of Uncertain Significance.